The following is an entry in ClinVar:

ClinVar aggregate classification (germline): Benign/Likely benign. Review status: criteria provided, multiple submitters, no conflicts (2 of 4 stars). 3 submissions from 3 submitters: Benign (1); Likely benign (2). Last evaluated 2025-06-05.

Conditions:
Tuberous sclerosis 2 (TSC2). Identifiers: Orphanet 805, MedGen C1860707, MONDO:0013199, OMIM 613254.
Hereditary cancer-predisposing syndrome. Also called: Hereditary Cancer Syndrome; Tumor predisposition; Neoplastic Syndromes, Hereditary; Hereditary neoplastic syndrome. Identifiers: Orphanet 140162, MedGen C0027672, MeSH D009386, MONDO:0015356.

Allele frequency attached by ClinVar (database versions not stated): gnomAD exomes below 0.00001; TOPMed 0.00001.
gnomAD v4.1: 1 of 1,611,368 alleles (0.000062%); highest among the groups gnomAD compares: Non-Finnish European, 0.000085%; no homozygotes.

Submissions (3):

Myriad Genetics, Inc.
Classification: Benign for Tuberous sclerosis 2. Last evaluated: 2025-06-05. Review status: criteria provided, single submitter. Criteria: Myriad Autosomal Dominant, Autosomal Recessive and X-Linked Classification Criteria (2023). Collection method: clinical testing. Allele origin: unknown.
Comment: This variant is considered benign. This variant is a silent/synonymous amino acid change and it is not expected to impact splicing.

Ambry Genetics
Classification: Likely benign for Hereditary cancer-predisposing syndrome. Last evaluated: 2024-08-31. Review status: criteria provided, single submitter. Criteria: Ambry Variant Classification Scheme 2023. Collection method: clinical testing. Allele origin: germline.

Labcorp Genetics (formerly Invitae), Labcorp
Classification: Likely benign for Tuberous sclerosis 2. Last evaluated: 2023-03-12. Review status: criteria provided, single submitter. Criteria: Invitae Variant Classification Sherloc (09022015). Collection method: clinical testing. Allele origin: germline.

NM_000548.5(TSC2):c.5044C>T (p.Leu1682=)

Gene: TSC2 (TSC complex subunit 2; plus strand). Cytogenetic location: 16p13.3.
Variant type: single nucleotide variant.
Coding change: c.5044C>T on transcript NM_000548.5 (MANE Select); coding-DNA position 5044, C replaced by T.
Protein change: p.Leu1682=; no amino-acid change (leucine 1682 retained).
Molecular consequence: synonymous variant.
Genome position (GRCh38, 1-based): chr16:2,087,917, C>T. VCF-style: chr16-2087917-C-T. GRCh37 (hg19) VCF-style: chr16-2137918-C-T.
Other names: c.4843C>T, p.Leu1615= (NM_001077183.3); c.4975C>T, p.Leu1659= (NM_001114382.3); c.4735C>T, p.Leu1579= (NM_001318827.2); c.4699C>T, p.Leu1567= (NM_001318829.2); c.4312C>T, p.Leu1438= (NM_001318831.2); c.4876C>T, p.Leu1626= (NM_001318832.2); c.4846C>T, p.Leu1616= (NM_001363528.2); c.4912C>T, p.Leu1638= (NM_001370404.1); and 2 more.
Identifiers: ClinVar variation 1629613 (VCV001629613.10), dbSNP rs1336904838, ClinGen allele CA493043615.
Genomic context (GRCh38, chr16:2,087,917, plus strand): 5'-GGGCAGGGCCAGTTCAACTTTGTCCACGTGATCGTCACCCCGCTGGACTACGAGTGCAAC[C>T]TGGTGTCCCTGCAGTGCAGGAAAGGTAGGGCCGGGTGGGGCCCTGCAGTGCAGGAAAGGT-3'
Protein context (NP_000539.2, residues 1672-1692): IVTPLDYECN[Leu1682=]VSLQCRKDME